The following is an entry in ClinVar:

NM_177965.4(CFAP418):c.60C>T (p.Asp20=)

Genes: CFAP418 (cilia and flagella associated protein 418; minus strand), CFAP418-AS1 (CFAP418 antisense RNA 1; plus strand), LOC130000784 (ATAC-STARR-seq lymphoblastoid active region 27655; plus strand). Cytogenetic location: 8q22.1.
Variant type: single nucleotide variant.
Coding change: c.60C>T on transcript NM_177965.4 (MANE Select); coding-DNA position 60, C replaced by T.
Protein change: p.Asp20=; no amino-acid change (aspartic acid 20 retained).
Molecular consequence: synonymous variant.
Genome position (GRCh38, 1-based): chr8:95,269,130, G>A on the plus strand (C>T on the coding strand, the complement: CFAP418 is on the minus strand). VCF-style: chr8-95269130-G-A. GRCh37 (hg19) VCF-style: chr8-96281358-G-A.
Other names: c.60C>T, p.Asp20= (NM_001363260.1).
Identifiers: ClinVar variation 3348529 (VCV003348529.2).

ClinVar aggregate classification (germline): Uncertain significance (1 of 4 stars; one submission).

Conditions:
CFAP418-related disorder. Also called: CFAP418-related condition.

gnomAD v4.1: 3 of 1,614,252 alleles (0.00019%); highest among the groups gnomAD compares: East Asian, 0.0067%; no homozygotes.

Submission:

PreventionGenetics, part of Exact Sciences
Classification: Uncertain significance for CFAP418-related condition. Last evaluated: 2026-04-21. Review status: criteria provided, single submitter. Criteria: ACMG Guidelines, 2015. Collection method: clinical testing. Allele origin: germline.
Comment: The CFAP418 c.60C>T variant is not predicted to result in an amino acid change (p.=). This variant is predicted to impact splicing for a different neighboring gene (C8orf37-AS1, SpliceAI, Jaganathan et al. 2019. PubMed ID: 30661751), but is not expected to impact the CFAP418 gene. To our knowledge, this variant has not been reported in the literature. This variant is reported in 0.0054% of alleles in individuals of East Asian descent in gnomAD. At this time, the clinical significance of this variant is uncertain due to the absence of conclusive functional and genetic evidence.